The following is an entry in ClinVar:

ClinVar aggregate classification (germline): Benign/Likely benign. Review status: criteria provided, multiple submitters, no conflicts (2 of 4 stars). 3 submissions from 3 submitters: Benign (1); Likely benign (2). Last evaluated 2025-12-26.

Conditions:
Hereditary cancer-predisposing syndrome. Also called: Tumor predisposition; Neoplastic Syndromes, Hereditary; Hereditary Cancer Syndrome; Hereditary neoplastic syndrome. Identifiers: Orphanet 140162, MedGen C0027672, MeSH D009386, MONDO:0015356.
Tuberous sclerosis 2 (TSC2). Identifiers: Orphanet 805, MedGen C1860707, MONDO:0013199, OMIM 613254.

Submissions (3):

Ambry Genetics
Classification: Likely benign for Hereditary cancer-predisposing syndrome. Last evaluated: 2025-12-26. Review status: criteria provided, single submitter. Criteria: Ambry Variant Classification Scheme 2023. Collection method: clinical testing. Allele origin: germline.

Myriad Genetics, Inc.
Classification: Benign for Tuberous sclerosis 2. Last evaluated: 2025-05-09. Review status: criteria provided, single submitter. Criteria: Myriad Autosomal Dominant, Autosomal Recessive and X-Linked Classification Criteria (2023). Collection method: clinical testing. Allele origin: unknown.
Comment: This variant is considered benign. This variant is a silent/synonymous amino acid change, and it is not expected to impact splicing.

Labcorp Genetics (formerly Invitae), Labcorp
Classification: Likely benign for Tuberous sclerosis 2. Last evaluated: 2022-05-12. Review status: criteria provided, single submitter. Criteria: Invitae Variant Classification Sherloc (09022015). Collection method: clinical testing. Allele origin: germline.

NM_000548.5(TSC2):c.756C>T (p.Leu252=)

Gene: TSC2 (TSC complex subunit 2; plus strand). Cytogenetic location: 16p13.3.
Variant type: single nucleotide variant.
Coding change: c.756C>T on transcript NM_000548.5 (MANE Select); coding-DNA position 756, C replaced by T.
Protein change: p.Leu252=; no amino-acid change (leucine 252 retained).
Molecular consequence: synonymous variant.
Genome position (GRCh38, 1-based): chr16:2,056,751, C>T. VCF-style: chr16-2056751-C-T. GRCh37 (hg19) VCF-style: chr16-2106752-C-T.
Other names: c.756C>T, p.Leu252= (NM_001077183.3, NM_001114382.3, NM_001363528.2 and 3 more transcripts); c.645C>T, p.Leu215= (NM_001318827.2); c.609C>T, p.Leu203= (NM_001318829.2); c.156C>T, p.Leu52= (NM_001318831.2); c.789C>T, p.Leu263= (NM_001318832.2).
Identifiers: ClinVar variation 759536 (VCV000759536.11), dbSNP rs1026303888, ClinGen allele CA492957440.